The following is an entry in ClinVar:

NM_000054.7(AVPR2):c.377C>T (p.Ser126Phe)

Gene: AVPR2 (arginine vasopressin receptor 2; plus strand). Cytogenetic location: Xq28.
Variant type: single nucleotide variant.
Coding change: c.377C>T on transcript NM_000054.7 (MANE Select); coding-DNA position 377, C replaced by T.
Protein change: p.Ser126Phe; replaces serine 126 with phenylalanine.
Molecular consequence: missense variant.
Genome position (GRCh38, 1-based): chrX:153,905,883, C>T. VCF-style: chrX-153905883-C-T. GRCh37 (hg19) VCF-style: chrX-153171337-C-T.
Other names: c.377C>T, p.Ser126Phe (NM_001146151.3); short protein forms S126F.
Identifiers: ClinVar variation 1343585 (VCV001343585.1), dbSNP rs2148514471, ClinGen allele CA415105504.

ClinVar aggregate classification (germline): Uncertain significance (1 of 4 stars; one submission).

Submission:

Women's Health and Genetics/Laboratory Corporation of America, LabCorp
Classification: Uncertain significance. Last evaluated: 2022-02-21. Review status: criteria provided, single submitter. Criteria: LabCorp Variant Classification Summary - May 2015. Collection method: clinical testing. Allele origin: germline.
Comment: Variant summary: AVPR2 c.377C>T (p.Ser126Phe) results in a non-conservative amino acid change located in the GPCR, rhodopsin-like, 7TM domain (IPR017452) of the encoded protein sequence. Five of five in-silico tools predict a damaging effect of the variant on protein function. The variant was absent in 176818 control chromosomes (gnomAD). The available data on variant occurrences in the general population are insufficient to allow any conclusion about variant significance. c.377C>T has been reported in the literature in individuals affected with Nephrogenic Diabetes Insipidus (Bichet_1994, Yoo_2006). These reports do not provide unequivocal conclusions about association of the variant with Nephrogenic Diabetes Insipidus. To our knowledge, no experimental evidence demonstrating an impact on protein function has been reported. No clinical diagnostic laboratories have submitted clinical-significance assessments for this variant to ClinVar after 2014. Based on the evidence outlined above, the variant was classified as uncertain significance.

Literature cited by the submitters: PubMed 8037205; PubMed 9853256; PubMed 16502494; PubMed 7598729; PubMed 7541187.